The following is an entry in ClinVar:

ClinVar aggregate classification (germline): Uncertain significance. Review status: criteria provided, multiple submitters, no conflicts (2 of 4 stars). 3 submissions from 3 submitters: Uncertain significance (3). Last evaluated 2025-09-08.

Conditions:
Age related macular degeneration 1 (ARMD1). Also called: MACULOPATHY, AGE-RELATED, 1. Identifiers: MedGen C1864205, MONDO:0011285, OMIM 603075.

Allele frequency attached by ClinVar (database versions not stated): ExAC 0.00001; gnomAD 0.00001 and 0.00002; gnomAD exomes 0.00001; TOPMed 0.00002.
gnomAD v4.1: 18 of 1,614,034 alleles (0.0011%); highest among the groups gnomAD compares: Admixed American, 0.0033%; no homozygotes.

Submissions (3):

Labcorp Genetics (formerly Invitae), Labcorp
Classification: Uncertain significance. Last evaluated: 2025-09-08. Review status: criteria provided, single submitter. Criteria: Invitae Variant Classification Sherloc (09022015). Collection method: clinical testing. Allele origin: germline.
Comment: This sequence change replaces arginine, which is basic and polar, with glutamine, which is neutral and polar, at codon 3669 of the HMCN1 protein (p.Arg3669Gln). This variant is present in population databases (rs745313929, gnomAD 0.007%). This variant has not been reported in the literature in individuals affected with HMCN1-related conditions. ClinVar contains an entry for this variant (Variation ID: 876752). An algorithm developed to predict the effect of missense changes on protein structure and function (PolyPhen-2) suggests that this variant is likely to be tolerated. In summary, the available evidence is currently insufficient to determine the role of this variant in disease. Therefore, it has been classified as a Variant of Uncertain Significance.

Genome-Nilou Lab
Classification: Uncertain significance for Age related macular degeneration 1. Last evaluated: 2023-04-11. Review status: criteria provided, single submitter. Criteria: ACMG Guidelines, 2015. Collection method: clinical testing. Allele origin: germline. Affected: no.

Illumina Laboratory Services, Illumina
Classification: Uncertain significance for Age related macular degeneration 1. Last evaluated: 2018-01-13. Review status: criteria provided, single submitter. Criteria: ICSL Variant Classification Criteria 13 December 2019. Collection method: clinical testing. Allele origin: germline.

NM_031935.3(HMCN1):c.11006G>A (p.Arg3669Gln)

Gene: HMCN1 (hemicentin 1; plus strand). Cytogenetic location: 1q31.1.
Variant type: single nucleotide variant.
Coding change: c.11006G>A on transcript NM_031935.3 (MANE Select); coding-DNA position 11006, G replaced by A.
Protein change: p.Arg3669Gln; replaces arginine 3669 with glutamine.
Molecular consequence: missense variant.
Genome position (GRCh38, 1-based): chr1:186,112,828, G>A. VCF-style: chr1-186112828-G-A. GRCh37 (hg19) VCF-style: chr1-186081960-G-A.
Other names: short protein forms R3669Q.
Identifiers: ClinVar variation 876752 (VCV000876752.9), dbSNP rs745313929, ClinGen allele CA1293907.